The following is an entry in ClinVar:

NM_000179.3(MSH6):c.3712A>C (p.Thr1238Pro)

Gene: MSH6 (mutS homolog 6; plus strand). Cytogenetic location: 2p16.3.
Variant type: single nucleotide variant.
Coding change: c.3712A>C on transcript NM_000179.3 (MANE Select); coding-DNA position 3712, A replaced by C.
Protein change: p.Thr1238Pro; replaces threonine 1238 with proline.
Molecular consequence: missense variant.
Genome position (GRCh38, 1-based): chr2:47,806,269, A>C. VCF-style: chr2-47806269-A-C. GRCh37 (hg19) VCF-style: chr2-48033408-A-C.
Other names: c.3322A>C, p.Thr1108Pro (NM_001281492.2); c.2806A>C, p.Thr936Pro (NM_001281493.2, NM_001281494.2); short protein forms T1108P, T936P, T1238P.
Identifiers: ClinVar variation 1039964 (VCV001039964.13), dbSNP rs1000702910, ClinGen allele CA46719365.

ClinVar aggregate classification (germline): Conflicting classifications of pathogenicity. Review status: criteria provided, conflicting classifications (1 of 4 stars). 2 submissions from 2 submitters: Uncertain significance (1); Likely benign (1). Last evaluated 2025-04-21.

Conditions:
Hereditary cancer-predisposing syndrome. Also called: Neoplastic Syndromes, Hereditary; Hereditary Cancer Syndrome; Tumor predisposition; Hereditary neoplastic syndrome. Identifiers: Orphanet 140162, MedGen C0027672, MeSH D009386, MONDO:0015356.
Hereditary nonpolyposis colorectal neoplasms. Identifiers: MedGen C0009405, MeSH D003123.

Allele frequency attached by ClinVar (database versions not stated): gnomAD exomes below 0.00001; gnomAD 0.00001; TOPMed 0.00002.
gnomAD v4.1: 4 of 1,613,954 alleles (0.00025%); highest among the groups gnomAD compares: Non-Finnish European, 0.00034%; no homozygotes.

Submissions (2):

Labcorp Genetics (formerly Invitae), Labcorp
Classification: Likely benign for Hereditary nonpolyposis colorectal neoplasms. Last evaluated: 2025-04-21. Review status: criteria provided, single submitter. Criteria: Invitae Variant Classification Sherloc (09022015). Collection method: clinical testing. Allele origin: germline.

Ambry Genetics
Classification: Uncertain significance for Hereditary cancer-predisposing syndrome. Last evaluated: 2018-03-05. Review status: criteria provided, single submitter. Criteria: Ambry Variant Classification Scheme 2023. Collection method: clinical testing. Allele origin: germline.
Comment: The p.T1238P variant (also known as c.3712A>C), located in coding exon 8 of the MSH6 gene, results from an A to C substitution at nucleotide position 3712. The threonine at codon 1238 is replaced by proline, an amino acid with highly similar properties. This amino acid position is poorly conserved in available vertebrate species. In addition, the in silico prediction for this alteration is inconclusive. In addition, the CoDP in silico tool predicts this alteration to have a minor impact on molecular function, with a score of 0.000 (Terui H et al. J. Biomed. Sci. 2013 Apr;20:25). Since supporting evidence is limited at this time, the clinical significance of this alteration remains unclear.